The following is an entry in ClinVar:

NM_001382430.1(AKT1):c.634G>T (p.Ala212Ser)

Gene: AKT1 (AKT serine/threonine kinase 1; minus strand). Cytogenetic location: 14q32.33.
Variant type: single nucleotide variant.
Coding change: c.634G>T on transcript NM_001382430.1 (MANE Select); coding-DNA position 634, G replaced by T.
Protein change: p.Ala212Ser; replaces alanine 212 with serine.
Molecular consequence: missense variant.
Genome position (GRCh38, 1-based): chr14:104,773,980, C>A on the plus strand (G>T on the coding strand, the complement: AKT1 is on the minus strand). VCF-style: chr14-104773980-C-A. GRCh37 (hg19) VCF-style: chr14-105240317-C-A.
Other names: c.634G>T, p.Ala212Ser (NM_001014431.2, NM_001014432.2, NM_001382431.1 and 3 more transcripts); short protein forms A212S.
Identifiers: ClinVar variation 3224632 (VCV003224632.1), dbSNP rs2542133880, ClinGen allele CA391218976.

ClinVar aggregate classification (germline): Uncertain significance (1 of 4 stars; one submission).

Conditions:
Inborn genetic diseases. Identifiers: MedGen C0950123, MeSH D030342.

Submission:

Ambry Genetics
Classification: Uncertain significance for Inborn genetic diseases. Last evaluated: 2023-10-12. Review status: criteria provided, single submitter. Criteria: Ambry Variant Classification Scheme 2023. Collection method: clinical testing. Allele origin: germline.
Comment: The p.A212S variant (also known as c.634G>T) is located in coding exon 7 of the AKT1 gene. The alanine at codon 212 is replaced by serine, an amino acid with similar properties. This change occurs in the first base pair of coding exon 7. This amino acid position is conserved. In addition, this alteration is predicted to be tolerated by in silico analysis. Since supporting evidence is limited at this time, the clinical significance of this alteration remains unclear.